The following is an entry in ClinVar:

NM_024884.3(L2HGDH):c.336A>G (p.Leu112=)

Gene: L2HGDH (L-2-hydroxyglutarate dehydrogenase; minus strand). Cytogenetic location: 14q21.3.
Variant type: single nucleotide variant.
Coding change: c.336A>G on transcript NM_024884.3 (MANE Select); coding-DNA position 336, A replaced by G.
Protein change: p.Leu112=; no amino-acid change (leucine 112 retained).
Molecular consequence: synonymous variant.
Genome position (GRCh38, 1-based): chr14:50,302,089, T>C on the plus strand (A>G on the coding strand, the complement: L2HGDH is on the minus strand). VCF-style: chr14-50302089-T-C. GRCh37 (hg19) VCF-style: chr14-50768807-T-C.
Identifiers: ClinVar variation 559238 (VCV000559238.40), dbSNP rs59390116, ClinGen allele CA7178055.

ClinVar aggregate classification (germline): Benign/Likely benign. Review status: criteria provided, multiple submitters, no conflicts (2 of 4 stars). 4 submissions from 4 submitters: Benign (1); Likely benign (2). 1 of the submissions does not count toward it. Last evaluated 2025-10-01.

Conditions:
L-2-hydroxyglutaric aciduria (L2HGA). Identifiers: Orphanet 79314, MedGen C1855995, MONDO:0009370, OMIM 236792, HP:0040144.

Allele frequency attached by ClinVar (database versions not stated): ESP Exome Variant Server 0.00154; TOPMed 0.00158; 1000 Genomes Project 0.00180; 1000 Genomes Project 30x 0.00187.
gnomAD v4.1: 549 of 1,614,136 alleles (0.034%); highest among the groups gnomAD compares: African/African-American, 0.52%; 3 homozygotes.

Submissions (4):

Labcorp Genetics (formerly Invitae), Labcorp
Classification: Benign for L-2-hydroxyglutaric aciduria. Last evaluated: 2025-10-01. Review status: criteria provided, single submitter. Criteria: Invitae Variant Classification Sherloc (09022015). Collection method: clinical testing. Allele origin: germline.

Blueprint Genetics
Classification: Likely benign. Last evaluated: 2024-11-27. Review status: criteria provided, single submitter. Criteria: ACMG Guidelines, 2015. Collection method: clinical testing. Allele origin: germline.

CeGaT Center for Human Genetics Tuebingen
Classification: Likely benign. Last evaluated: 2024-06-01. Review status: criteria provided, single submitter. Criteria: CeGaT Center For Human Genetics Tuebingen Variant Classification Criteria Version 2. Collection method: clinical testing. Allele origin: germline. Affected: yes. Observed: 2 variant alleles.
Comment: L2HGDH: BP4, BP7

Mayo Clinic Laboratories, Mayo Clinic
Classification: Likely benign. Last evaluated: 2016-03-16. Review status: no assertion criteria provided. Collection method: clinical testing. Allele origin: unknown. Not counted in ClinVar's aggregate classification.